The following is an entry in ClinVar:

ClinVar aggregate classification (germline): Likely benign (0 of 4 stars; one submission).

Conditions:
PAX1-related disorder. Also called: PAX1-related condition.

Allele frequency attached by ClinVar (database versions not stated): gnomAD exomes below 0.00001.
gnomAD v4.1: 2 of 1,599,652 alleles (0.00013%); highest among the groups gnomAD compares: Non-Finnish European, 0.00017%; no homozygotes.

Submission:

PreventionGenetics, part of Exact Sciences
Classification: Likely benign for PAX1-related condition. Last evaluated: 2023-10-04. Review status: no assertion criteria provided. Collection method: clinical testing. Allele origin: germline.
Comment: This variant is classified as likely benign based on ACMG/AMP sequence variant interpretation guidelines (Richards et al. 2015 PMID: 25741868, with internal and published modifications).

NM_001257096.2(PAX1):c.*235G>A

Gene: PAX1 (paired box 1; plus strand). Cytogenetic location: 20p11.22.
Variant type: single nucleotide variant.
Coding change: c.*235G>A on transcript NM_001257096.2 (MANE Select); 235 bases downstream of the stop codon, G replaced by A.
Molecular consequence: 3 prime UTR variant. On other transcripts: synonymous variant (1).
Genome position (GRCh38, 1-based): chr20:21,714,797, G>A. VCF-style: chr20-21714797-G-A. GRCh37 (hg19) VCF-style: chr20-21695435-G-A.
Other names: c.1599G>A, p.Gly533= (NM_006192.5).
Identifiers: ClinVar variation 3028981 (VCV003028981.2), dbSNP rs1227825826, ClinGen allele CA510170599.